The following is an entry in ClinVar:

NM_017534.6(MYH2):c.5363_5383dup (p.Gln1794_Thr1795insMetLysLysAsnMetGluGln)

Genes: MYHAS (myosin heavy chain gene cluster antisense RNA; plus strand), MYH2 (myosin heavy chain 2; minus strand). Cytogenetic location: 17p13.1.
Variant type: Duplication.
Coding change: c.5363_5383dup on transcript NM_017534.6 (MANE Select); coding-DNA positions 5363 to 5383, 21 bases duplicated (TGAAGAAGAACATGGAGCAGA).
Protein change: p.Gln1794_Thr1795insMetLysLysAsnMetGluGln.
Molecular consequence: inframe insertion.
Genome position (GRCh38, 1-based): chr17:10,523,585-10,523,605, TCTGCTCCATGTTCTTCTTCA duplicated on the plus strand (TGAAGAAGAACATGGAGCAGA on the coding strand, the reverse complement: MYH2 is on the minus strand); duplicating any 21 consecutive bases within chr17:10,523,585-10,523,607 gives the same sequence; the c. name uses the placement nearest the transcript's 3' end. VCF-style (leftmost placement, unchanged base first): chr17-10523584-G-GTCTGCTCCATGTTCTTCTTCA. GRCh37 (hg19) VCF-style: chr17-10426901-G-GTCTGCTCCATGTTCTTCTTCA.
Other names: c.5363_5383dup, p.Gln1794_Thr1795insMetLysLysAsnMetGluGln (NM_001100112.2).
Identifiers: ClinVar variation 4531631 (VCV004531631.1).

ClinVar aggregate classification (germline): Uncertain significance (1 of 4 stars; one submission).

Conditions:
Myopathy, proximal, and ophthalmoplegia (CMYO6). Also called: MYOPATHY WITH CONGENITAL JOINT CONTRACTURES, OPHTHALMOPLEGIA, AND RIMMED VACUOLES; CONGENITAL MYOPATHY 6 WITH OPHTHALMOPLEGIA; INCLUSION BODY MYOPATHY 3, AUTOSOMAL DOMINANT. Identifiers: Orphanet 363677, Orphanet 79091, MedGen C1854106, MONDO:0011577, OMIM 605637.

Submission:

Victorian Clinical Genetics Services, Murdoch Childrens Research Institute
Classification: Uncertain significance for Myopathy, proximal, and ophthalmoplegia. Last evaluated: 2025-02-03. Review status: criteria provided, single submitter. Criteria: ACMG Guidelines, 2015. Collection method: clinical testing. Allele origin: germline. Affected: yes.
Comment: This variant is classified as VUS-3B. Evidence in support of pathogenic classification: In-frame insertion/deletion in a non-repetitive region that has high conservation; Variant is absent from gnomAD (v2, v3 and v4). Additional information: This variant is heterozygous; This gene is associated with both recessive and dominant disease. Variants that result in a premature termination codon have been reported to cause recessive disease, while missense variants have been reported for both dominant and recessive disease (PMID: 20418530); This variant has no previous evidence of pathogenicity; No published segregation evidence has been identified for this variant; No published functional evidence has been identified for this variant; No comparable insertion variants have previous evidence for pathogenicity; Loss of function is a known mechanism of disease in this gene and is associated with autosomal recessive congenital myopathy 6 with ophthalmoplegia (MIM#605637). Dominant negative is a suspected mechanism for dominant disease; however, more functional studies are required (PMID: 11114175, 20418530); Inheritance information for this variant is not currently available in this individual.

Literature cited by the submitters: PubMed 20418530; PubMed 11114175.